The following is an entry in ClinVar:

NM_000432.4(MYL2):c.132T>C (p.Ile44=)

Gene: MYL2 (myosin light chain 2; minus strand). Cytogenetic location: 12q24.11.
Variant type: single nucleotide variant.
Coding change: c.132T>C on transcript NM_000432.4 (MANE Select); coding-DNA position 132, T replaced by C.
Protein change: p.Ile44=; no amino-acid change (isoleucine 44 retained).
Molecular consequence: synonymous variant.
Genome position (GRCh38, 1-based): chr12:110,915,752, A>G on the plus strand (T>C on the coding strand, the complement: MYL2 is on the minus strand). VCF-style: chr12-110915752-A-G. GRCh37 (hg19) VCF-style: chr12-111353556-A-G.
Other names: p.I44I:ATT>ATC; p.Ile44=.
Identifiers: ClinVar variation 31771 (VCV000031771.48), dbSNP rs2301610, ClinGen allele CA009859.

ClinVar aggregate classification (germline): Benign. Review status: criteria provided, multiple submitters, no conflicts (2 of 4 stars). 19 submissions from 19 submitters: Benign (15). 4 of the submissions do not count toward it. Last evaluated 2026-02-04.

Conditions:
Cardiovascular phenotype. Identifiers: MedGen CN230736.
Cardiomyopathy (CMYO). Also called: Cardiomyopathies. Identifiers: Orphanet 167848, MedGen C0878544, MONDO:0004994, HP:0001638. Inheritance: Various modes of inheritance.
Hypertrophic cardiomyopathy 10. Also called: CARDIOMYOPATHY, HYPERTROPHIC, MID-LEFT VENTRICULAR CHAMBER TYPE, 2; MYL2-Related Familial Hypertrophic Cardiomyopathy. Identifiers: MedGen C1834460, MONDO:0012112, OMIM 608758.
Congestive heart failure. Identifiers: MedGen C0018802, MONDO:0005009, HP:0001635.

Allele frequency attached by ClinVar (database versions not stated): ESP Exome Variant Server 0.07643; TOPMed 0.07781; gnomAD 0.08171 and 0.08587; gnomAD exomes 0.09320 and 0.10061; ExAC 0.10247; 1000 Genomes Project 0.11522; 1000 Genomes Project 30x 0.11524.
gnomAD v4.1: 148,609 of 1,613,832 alleles (9.2%); highest among the groups gnomAD compares: East Asian, 22%; 7,752 homozygotes.

Submissions (19):

Labcorp Genetics (formerly Invitae), Labcorp
Classification: Benign for Hypertrophic cardiomyopathy 10. Last evaluated: 2026-02-04. Review status: criteria provided, single submitter. Criteria: Invitae Variant Classification Sherloc (09022015). Collection method: clinical testing. Allele origin: germline.

ARUP Laboratories, Molecular Genetics and Genomics, ARUP Laboratories
Classification: Benign. Last evaluated: 2025-07-28. Review status: criteria provided, single submitter. Criteria: ARUP Molecular Germline Variant Investigation Process 2024. Collection method: clinical testing. Allele origin: germline.

Molecular Diagnostic Laboratory for Inherited Cardiovascular Disease, Montreal Heart Institute
Classification: Benign. Last evaluated: 2025-04-09. Review status: criteria provided, single submitter. Criteria: ACMG Guidelines, 2015. Collection method: clinical testing. Allele origin: germline. Affected: no.

Blueprint Genetics
Classification: Benign. Last evaluated: 2024-11-27. Review status: criteria provided, single submitter. Criteria: ACMG Guidelines, 2015. Collection method: clinical testing. Allele origin: germline.

Cohesion Phenomics
Classification: Benign for Congestive Heart Failure. Last evaluated: 2022-10-10. Review status: criteria provided, single submitter. Criteria: ACMG Guidelines, 2015. Collection method: clinical testing. Allele origin: germline. Affected: yes.

Color Diagnostics, LLC DBA Color Health
Classification: Benign for Cardiomyopathy. Last evaluated: 2018-03-16. Review status: criteria provided, single submitter. Criteria: ACMG Guidelines, 2015. Collection method: clinical testing. Allele origin: germline.

Illumina Laboratory Services, Illumina
Classification: Benign for Hypertrophic cardiomyopathy 10. Last evaluated: 2018-03-06. Review status: criteria provided, single submitter. Criteria: ICSL Variant Classification Criteria 13 December 2019. Collection method: clinical testing. Allele origin: germline.
Comment: This variant was observed in the ICSL laboratory as part of a predisposition screen in an ostensibly healthy population. It had not been previously curated by ICSL or reported in the Human Gene Mutation Database (HGMD: prior to June 1st, 2018), and was therefore a candidate for classification through an automated scoring system. Utilizing variant allele frequency, disease prevalence and penetrance estimates, and inheritance mode, an automated score was calculated to assess if this variant is too frequent to cause the disease. Based on the score and internal cut-off values, a variant classified as benign is not then subjected to further curation. The score for this variant resulted in a classification of benign for this disease.

Clinical Genetics DNA and cytogenetics Diagnostics Lab, Erasmus MC, Erasmus Medical Center
Classification: Benign for Hypertrophic cardiomyopathy 10. Last evaluated: 2015-09-21. Review status: criteria provided, single submitter. Criteria: ACGS Guidelines, 2013. Collection method: clinical testing. Allele origin: germline. Affected: yes. Study: VKGL Data-share Consensus.

Ambry Genetics
Classification: Benign for Cardiovascular phenotype. Last evaluated: 2015-06-29. Review status: criteria provided, single submitter. Criteria: Ambry Variant Classification Scheme 2023. Collection method: clinical testing. Allele origin: germline.

Genome Diagnostics Laboratory, University Medical Center Utrecht
Classification: Benign for Hypertrophic cardiomyopathy 10. Last evaluated: 2014-10-10. Review status: criteria provided, single submitter. Criteria: ACGS Guidelines, 2013. Collection method: clinical testing. Allele origin: germline. Affected: yes. Study: VKGL Data-share Consensus.

Mayo Clinic Laboratories, Mayo Clinic
Classification: Benign. Last evaluated: 2014-05-08. Review status: criteria provided, single submitter. Criteria: ACMG Guidelines, 2015. Collection method: clinical testing. Allele origin: germline. Observed: 229 variant alleles.

GeneDx
Classification: Benign. Last evaluated: 2011-06-27. Review status: criteria provided, single submitter. Criteria: GeneDx Variant Classification (06012015). Collection method: clinical testing. Allele origin: germline. Affected: yes.
Comment: This variant is considered likely benign or benign based on one or more of the following criteria: it is a conservative change, it occurs at a poorly conserved position in the protein, it is predicted to be benign by multiple in silico algorithms, and/or has population frequency not consistent with disease.

Laboratory for Molecular Medicine, Mass General Brigham Personalized Medicine
Classification: Benign. Last evaluated: 2008-01-18. Review status: criteria provided, single submitter. Criteria: LMM Criteria. Collection method: clinical testing. Allele origin: germline. Observed: 652 variant alleles.

Breakthrough Genomics
Classification: Benign. Review status: criteria provided, single submitter. Criteria: ACMG Guidelines, 2015. Collection method: not provided. Allele origin: germline. Inheritance: Autosomal recessive inheritance. Affected: yes.

PreventionGenetics, part of Exact Sciences
Classification: Benign. Review status: criteria provided, single submitter. Criteria: ACMG Guidelines, 2015. Collection method: clinical testing. Allele origin: germline.

Leiden Muscular Dystrophy (MYL2)
No classification provided. Last evaluated: 2012-03-26. Review status: no classification provided. Collection method: curation. Allele origin: germline. Not counted in ClinVar's aggregate classification.

Clinical Genetics, Academic Medical Center
Classification: Benign. Review status: no assertion criteria provided. Collection method: clinical testing. Allele origin: germline. Affected: yes. Study: VKGL Data-share Consensus. Not counted in ClinVar's aggregate classification.

Diagnostic Laboratory, Department of Genetics, University Medical Center Groningen
Classification: Benign for Hypertrophic cardiomyopathy 10. Review status: no assertion criteria provided. Collection method: clinical testing. Allele origin: germline. Affected: yes. Study: VKGL Data-share Consensus. Not counted in ClinVar's aggregate classification.

Joint Genome Diagnostic Labs from Nijmegen and Maastricht, Radboudumc and MUMC+
Classification: Benign. Review status: no assertion criteria provided. Collection method: clinical testing. Allele origin: germline. Affected: yes. Study: VKGL Data-share Consensus. Not counted in ClinVar's aggregate classification.